The following is an entry in ClinVar:

ClinVar aggregate classification (germline): Uncertain significance (1 of 4 stars; one submission).

Allele frequency attached by ClinVar (database versions not stated): ExAC 0.00002; gnomAD 0.00003; gnomAD exomes 0.00005; TOPMed 0.00005; 1000 Genomes Project 30x 0.00016; 1000 Genomes Project 0.00020.
gnomAD v4.1: 83 of 1,611,416 alleles (0.0052%); highest among the groups gnomAD compares: Middle Eastern, 0.017%; no homozygotes.

Submissions (2):

Labcorp Genetics (formerly Invitae), Labcorp
Classification: Uncertain significance. Last evaluated: 2026-01-13. Review status: criteria provided, single submitter. Criteria: Invitae Variant Classification Sherloc (09022015). Collection method: clinical testing. Allele origin: germline.
Comment: This sequence change replaces arginine, which is basic and polar, with histidine, which is basic and polar, at codon 675 of the ADGRE2 protein (p.Arg675His). This variant also falls at the last nucleotide of exon 16, which is part of the consensus splice site for this exon. This variant is present in population databases (rs144670525, gnomAD 0.01%). This variant has not been reported in the literature in individuals affected with ADGRE2-related conditions. ClinVar contains an entry for this variant (Variation ID: 2857485). An algorithm developed to predict the effect of missense changes on protein structure and function outputs the following: PolyPhen-2: "Benign". The histidine amino acid residue is found in multiple mammalian species, which suggests that this missense change does not adversely affect protein function. Variants that disrupt the consensus splice site are a relatively common cause of aberrant splicing (PMID: 17576681, 9536098). Algorithms developed to predict the effect of sequence changes on RNA splicing suggest that this variant may disrupt the consensus splice site. In summary, the available evidence is currently insufficient to determine the role of this variant in disease. Therefore, it has been classified as a Variant of Uncertain Significance.

Dr. Peter K. Rogan Lab, Western University
No classification provided (evidence only). Condition: Papillary renal cell carcinoma type 1. Review status: no classification provided. Collection method: in vitro. Allele origin: not applicable. Functional consequence: retained intron. Not counted in ClinVar's aggregate classification.

Literature cited by the submitters: PubMed 17576681 (cited by Labcorp Genetics (formerly Invitae), Labcorp); PubMed 9536098 (cited by Labcorp Genetics (formerly Invitae), Labcorp).

NM_013447.4(ADGRE2):c.2024G>A (p.Arg675His)

Gene: ADGRE2 (adhesion G protein-coupled receptor E2; minus strand). Cytogenetic location: 19p13.12.
Variant type: single nucleotide variant.
Coding change: c.2024G>A on transcript NM_013447.4 (MANE Select); coding-DNA position 2024, G replaced by A.
Protein change: p.Arg675His; replaces arginine 675 with histidine.
Molecular consequence: missense variant.
Genome position (GRCh38, 1-based): chr19:14,751,436, C>T on the plus strand (G>A on the coding strand, the complement: ADGRE2 is on the minus strand). VCF-style: chr19-14751436-C-T. GRCh37 (hg19) VCF-style: chr19-14862248-C-T.
Other names: c.1850G>A, p.Arg617His (NM_001271052.1); c.1877G>A, p.Arg626His (NM_152916.2); c.1745G>A, p.Arg582His (NM_152917.2); short protein forms R675H, R582H, R617H, R626H.
Identifiers: ClinVar variation 2857485 (VCV002857485.4), dbSNP rs144670525, ClinGen allele CA9257542.